The following is an entry in ClinVar:

ClinVar aggregate classification (germline): Uncertain significance (1 of 4 stars; one submission).

Allele frequency attached by ClinVar (database versions not stated): gnomAD exomes below 0.00001.
gnomAD v4.1: 1 of 1,614,184 alleles (0.000062%); highest among the groups gnomAD compares: Non-Finnish European, 0.000085%; no homozygotes.

Submission:

Labcorp Genetics (formerly Invitae), Labcorp
Classification: Uncertain significance. Last evaluated: 2023-06-03. Review status: criteria provided, single submitter. Criteria: Invitae Variant Classification Sherloc (09022015). Collection method: clinical testing. Allele origin: germline.
Comment: In summary, the available evidence is currently insufficient to determine the role of this variant in disease. Therefore, it has been classified as a Variant of Uncertain Significance. An algorithm developed to predict the effect of missense changes on protein structure and function (PolyPhen-2) suggests that this variant is likely to be disruptive. This variant has not been reported in the literature in individuals affected with ADGRE2-related conditions. This variant is not present in population databases (gnomAD no frequency). This sequence change replaces valine, which is neutral and non-polar, with isoleucine, which is neutral and non-polar, at codon 772 of the ADGRE2 protein (p.Val772Ile).

NM_013447.4(ADGRE2):c.2314G>A (p.Val772Ile)

Gene: ADGRE2 (adhesion G protein-coupled receptor E2; minus strand). Cytogenetic location: 19p13.12.
Variant type: single nucleotide variant.
Coding change: c.2314G>A on transcript NM_013447.4 (MANE Select); coding-DNA position 2314, G replaced by A.
Protein change: p.Val772Ile; replaces valine 772 with isoleucine.
Molecular consequence: missense variant.
Genome position (GRCh38, 1-based): chr19:14,743,654, C>T on the plus strand (G>A on the coding strand, the complement: ADGRE2 is on the minus strand). VCF-style: chr19-14743654-C-T. GRCh37 (hg19) VCF-style: chr19-14854466-C-T.
Other names: c.2140G>A, p.Val714Ile (NM_001271052.1); c.2167G>A, p.Val723Ile (NM_152916.2); c.2035G>A, p.Val679Ile (NM_152917.2); short protein forms V772I, V679I, V723I, V714I.
Identifiers: ClinVar variation 2738238 (VCV002738238.3), dbSNP rs2512947579, ClinGen allele CA404451190.